The following is an entry in ClinVar:

ClinVar aggregate classification (germline): Uncertain significance (1 of 4 stars; one submission).

Conditions:
Fabry disease. Also called: ALPHA-GALACTOSIDASE A DEFICIENCY; ANDERSON-FABRY DISEASE; CERAMIDE TRIHEXOSIDASE DEFICIENCY; GLA DEFICIENCY; HEREDITARY DYSTOPIC LIPIDOSIS; Angiokeratoma corporis diffusum. Identifiers: Orphanet 324, MedGen C0002986, MONDO:0010526, OMIM 301500, HP:0001071. Disease mechanism: Fabry disease is due to inactivating mutations in the X-linked GLA gene resulting in deficiency of the enzyme Alpha Galactosidase-A., loss of function.

Submission:

Genomenon, Inc
Classification: Uncertain significance for Fabry disease. Last evaluated: 2026-09-08. Review status: criteria provided, single submitter. Criteria: Genomenon Sequence Variant Interpretation Standards - Updated. Collection method: curation. Allele origin: germline. Affected: yes.
Comment: GLA p.Phe69Leu (c.207C>A) is a missense variant that changes the amino acid at codon 69 from Phenylalanine to Leucine. This variant has been observed in at least one proband with clinical features consistent with Fabry disease (PMID:27081550;31996269). Functional or patient cell studies have been reported (PMID:27081550). It is absent or not present at a significant frequency in gnomAD. In silico models predict that this variant is possibly or probably damaging. In conclusion, we classify GLA p.Phe69Leu (c.207C>A) as a variant of uncertain significance.

Literature cited by the submitters: PubMed 27081550; PubMed 31996269.

NM_000169.3(GLA):c.207C>A (p.Phe69Leu)

Genes: GLA (galactosidase alpha; minus strand), RPL36A-HNRNPH2 (RPL36A-HNRNPH2 readthrough; plus strand). Cytogenetic location: Xq22.1.
Variant type: single nucleotide variant.
Coding change: c.207C>A on transcript NM_000169.3 (MANE Select); coding-DNA position 207, C replaced by A.
Protein change: p.Phe69Leu; replaces phenylalanine 69 with leucine.
Molecular consequence: missense variant. On other transcripts: non-coding transcript variant (3), intron variant (2).
Genome position (GRCh38, 1-based): chrX:101,403,973, G>T on the plus strand (C>A on the coding strand, the complement: GLA is on the minus strand). VCF-style: chrX-101403973-G-T. GRCh37 (hg19) VCF-style: chrX-100658961-G-T.
Other names: c.330C>A, p.Phe110Leu (NM_001406747.1, NM_001406749.1); c.207C>A, p.Phe69Leu (NM_001406748.1); c.301-7963G>T (NM_001199973.2); c.178-7963G>T (NM_001199974.2); short protein forms F110L, F69L.
Identifiers: ClinVar variation 4087301 (VCV004087301.2).